The following is an entry in ClinVar:

ClinVar aggregate classification (germline): Benign. Review status: reviewed by expert panel (3 of 4 stars). 4 submissions from 4 submitters: Benign (1). 3 of the submissions do not count toward it. Last evaluated 2026-01-07.

Conditions:
Maturity-onset diabetes of the young type 3. Also called: MODY, type III; MODY type 3. Identifiers: Orphanet 552, MedGen C1838100, MeSH C563933, MONDO:0010894, OMIM 600496. Disease mechanism: loss of function.
Type 2 diabetes mellitus. Also called: Type II diabetes mellitus. Identifiers: MedGen C0011860, MeSH D003924, MONDO:0005148, OMIM 125853, HP:0005978.
Diabetes mellitus type 1 (T1D). Also called: Diabetes Mellitus, Juvenile-Onset; Type I diabetes mellitus. Identifiers: MedGen C0011854, MONDO:0005147, OMIM 222100, HP:0100651.
Hepatic adenomas, familial. Also called: HEPATIC ADENOMA, SOMATIC; LIVER CELL ADENOMAS, FAMILIAL. Identifiers: MedGen C1840646, MONDO:0007718, OMIM 142330.
Nonpapillary renal cell carcinoma. Identifiers: Orphanet 422526, MedGen CN074294, MONDO:0007763, OMIM 144700.
Type 1 diabetes mellitus 20 (T1D20). Also called: Diabetes mellitus, insulin-dependent, 20. Identifiers: MedGen C2675866, MONDO:0012919, OMIM 612520.
Monogenic diabetes. Identifiers: Orphanet 183625, MedGen C3888631, MONDO:0015967.

Allele frequency attached by ClinVar (database versions not stated): TOPMed 0.00002; ExAC 0.00003; gnomAD 0.00003 and 0.00004; gnomAD exomes 0.00004 and 0.00013; ESP Exome Variant Server 0.00008.
gnomAD v4.1: 186 of 1,609,714 alleles (0.012%); highest among the groups gnomAD compares: Non-Finnish European, 0.015%; no homozygotes.

Submissions (4):

ClinGen Monogenic Diabetes Variant Curation Expert Panel
Classification: Benign for Monogenic diabetes. Last evaluated: 2026-01-07. Review status: reviewed by expert panel. Criteria: ClinGen Diabetes ACMG Specifications HNF1A V3.1.0. Collection method: curation. Allele origin: germline. Inheritance: Autosomal dominant inheritance.
Comment: The c.236A>T variant in the HNF1 homeobox A gene, HNF1A, causes an amino acid change of glutamic acid to valine at codon 79 (p.(Glu79Val)) of NM_000545.8. This variant has a Grpmax Filtering allele frequency in gnomAD v4.1.0 of 0.00013436, which is greater than the MDEP threshold for BA1 (0.0001) (BA1). In summary, c.236A>T meets the criteria to be classified as benign for monogenic diabetes. ACMG/AMP criteria applied, as specified by the ClinGen MDEP (specification version 3.1.0, approved 10/10/2025): BA1.

Labcorp Genetics (formerly Invitae), Labcorp
Classification: Uncertain significance. Last evaluated: 2025-06-09. Review status: criteria provided, single submitter. Criteria: Invitae Variant Classification Sherloc (09022015). Collection method: clinical testing. Allele origin: germline. Not counted in ClinVar's aggregate classification.
Comment: This sequence change replaces glutamic acid, which is acidic and polar, with valine, which is neutral and non-polar, at codon 79 of the HNF1A protein (p.Glu79Val). This variant is present in population databases (rs143753579, gnomAD 0.007%). This variant has not been reported in the literature in individuals affected with HNF1A-related conditions. ClinVar contains an entry for this variant (Variation ID: 1338461). Invitae Evidence Modeling of protein sequence and biophysical properties (such as structural, functional, and spatial information, amino acid conservation, physicochemical variation, residue mobility, and thermodynamic stability) indicates that this missense variant is not expected to disrupt HNF1A protein function with a negative predictive value of 80%. In summary, the available evidence is currently insufficient to determine the role of this variant in disease. Therefore, it has been classified as a Variant of Uncertain Significance.

Fulgent Genetics
Classification: Uncertain significance for Type 2 diabetes mellitus; Hepatic adenomas, familial; Nonpapillary renal cell carcinoma; Diabetes mellitus type 1; Maturity-onset diabetes of the young type 3; Type 1 diabetes mellitus 20. Last evaluated: 2021-08-02. Review status: criteria provided, single submitter. Criteria: ACMG Guidelines, 2015. Collection method: clinical testing. Allele origin: unknown. Not counted in ClinVar's aggregate classification.

Genetic Services Laboratory, University of Chicago
Classification: Uncertain significance. Last evaluated: 2018-11-30. Review status: criteria provided, single submitter. Criteria: ACMG Guidelines, 2015. Collection method: clinical testing. Allele origin: germline. Affected: no. Not counted in ClinVar's aggregate classification.

NM_000545.8(HNF1A):c.236A>T (p.Glu79Val)

Gene: HNF1A (HNF1 homeobox A; plus strand). Cytogenetic location: 12q24.31.
Variant type: single nucleotide variant.
Coding change: c.236A>T on transcript NM_000545.8 (MANE Select); coding-DNA position 236, A replaced by T.
Protein change: p.Glu79Val; replaces glutamic acid 79 with valine.
Molecular consequence: missense variant.
Genome position (GRCh38, 1-based): chr12:120,979,004, A>T. VCF-style: chr12-120979004-A-T. GRCh37 (hg19) VCF-style: chr12-121416807-A-T.
Other names: NM_000545.8(HNF1A):c.236A>T; p.Glu79Val; c.236A>T, p.Glu79Val (NM_001306179.2); short protein forms E79V.
Identifiers: ClinVar variation 1338461 (VCV001338461.7), dbSNP rs143753579, ClinGen allele CA6831694.
Genomic context (GRCh38, chr12:120,979,004, plus strand): 5'-AGCTGCCCAATGGGCTGGGGGAGACTCGGGGCTCCGAGGACGAGACGGACGACGATGGGG[A>T]AGACTTCACGCCACCCATCCTCAAAGAGCTGGAGAACCTCAGCCCTGAGGAGGCGGCCCA-3'
Protein context (NP_000536.6, residues 69-89): GSEDETDDDG[Glu79Val]DFTPPILKEL